The following is an entry in ClinVar:

NM_000368.5(TSC1):c.458A>G (p.Asp153Gly)

Gene: TSC1 (TSC complex subunit 1; minus strand). Cytogenetic location: 9q34.13.
Variant type: single nucleotide variant.
Coding change: c.458A>G on transcript NM_000368.5 (MANE Select); coding-DNA position 458, A replaced by G.
Protein change: p.Asp153Gly; replaces aspartic acid 153 with glycine.
Molecular consequence: missense variant.
Genome position (GRCh38, 1-based): chr9:132,923,398, T>C on the plus strand (A>G on the coding strand, the complement: TSC1 is on the minus strand). VCF-style: chr9-132923398-T-C. GRCh37 (hg19) VCF-style: chr9-135798785-T-C.
Other names: c.458A>G, p.Asp153Gly (NM_001162426.2); c.305A>G, p.Asp102Gly (NM_001162427.2); c.95A>G, p.Asp32Gly (NM_001362177.2); short protein forms D153G, D32G, D102G.
Identifiers: ClinVar variation 1472355 (VCV001472355.13), dbSNP rs1846674570, ClinGen allele CA375373333.

ClinVar aggregate classification (germline): Uncertain significance. Review status: criteria provided, multiple submitters, no conflicts (2 of 4 stars). 3 submissions from 3 submitters: Uncertain significance (3). Last evaluated 2025-05-07.

Conditions:
Hereditary cancer-predisposing syndrome. Also called: Hereditary neoplastic syndrome; Tumor predisposition; Neoplastic Syndromes, Hereditary; Hereditary Cancer Syndrome. Identifiers: Orphanet 140162, MedGen C0027672, MeSH D009386, MONDO:0015356.
Tuberous sclerosis 1 (TSC1). Identifiers: Orphanet 805, MedGen C1854465, MONDO:0008612, OMIM 191100.

Allele frequency attached by ClinVar (database versions not stated): gnomAD exomes below 0.00001; TOPMed below 0.00001; gnomAD 0.00001.
gnomAD v4.1: 2 of 1,613,942 alleles (0.00012%); highest among the groups gnomAD compares: Non-Finnish European, 0.00017%; no homozygotes.

Submissions (3):

Ambry Genetics
Classification: Uncertain significance for Hereditary cancer-predisposing syndrome. Last evaluated: 2025-05-07. Review status: criteria provided, single submitter. Criteria: Ambry Variant Classification Scheme 2023. Collection method: clinical testing. Allele origin: germline.
Comment: The p.D153G variant (also known as c.458A>G), located in coding exon 4 of the TSC1 gene, results from an A to G substitution at nucleotide position 458. The aspartic acid at codon 153 is replaced by glycine, an amino acid with similar properties. This amino acid position is conserved. In addition, this alteration is predicted to be deleterious by in silico analysis. Based on the available evidence, the clinical significance of this variant remains unclear.

Labcorp Genetics (formerly Invitae), Labcorp
Classification: Uncertain significance for Tuberous sclerosis 1. Last evaluated: 2025-03-12. Review status: criteria provided, single submitter. Criteria: Invitae Variant Classification Sherloc (09022015). Collection method: clinical testing. Allele origin: germline.
Comment: This sequence change replaces aspartic acid, which is acidic and polar, with glycine, which is neutral and non-polar, at codon 153 of the TSC1 protein (p.Asp153Gly). This variant is not present in population databases (gnomAD no frequency). This variant has not been reported in the literature in individuals affected with TSC1-related conditions. ClinVar contains an entry for this variant (Variation ID: 1472355). Invitae Evidence Modeling of protein sequence and biophysical properties (such as structural, functional, and spatial information, amino acid conservation, physicochemical variation, residue mobility, and thermodynamic stability) has been performed for this missense variant. However, the output from this modeling did not meet the statistical confidence thresholds required to predict the impact of this variant on TSC1 protein function. In summary, the available evidence is currently insufficient to determine the role of this variant in disease. Therefore, it has been classified as a Variant of Uncertain Significance.

GeneDx
Classification: Uncertain significance. Last evaluated: 2022-05-12. Review status: criteria provided, single submitter. Criteria: GeneDx Variant Classification Process June 2021. Collection method: clinical testing. Allele origin: germline. Affected: yes.
Comment: Not observed at significant frequency in large population cohorts (gnomAD); In silico analysis supports that this missense variant has a deleterious effect on protein structure/function; Has not been previously published as pathogenic or benign to our knowledge